The following is an entry in ClinVar:

ClinVar aggregate classification (germline): Uncertain significance. Review status: criteria provided, multiple submitters, no conflicts (2 of 4 stars). 3 submissions from 3 submitters: Uncertain significance (2). 1 of the submissions does not count toward it. Last evaluated 2025-04-01.

Conditions:
Hereditary spherocytosis type 5. Also called: EPB42-Related Spherocytosis; EPB42-Related Hereditary Spherocytosis. Identifiers: Orphanet 822, MedGen C2675192, MONDO:0012985, OMIM 612690.

Allele frequency attached by ClinVar (database versions not stated): gnomAD 0.00001; gnomAD exomes 0.00001; ExAC 0.00001; TOPMed 0.00002.
gnomAD v4.1: 11 of 1,613,982 alleles (0.00068%); highest among the groups gnomAD compares: African/African-American, 0.0013%; no homozygotes.

Submissions (3):

CeGaT Center for Human Genetics Tuebingen
Classification: Uncertain significance. Last evaluated: 2025-04-01. Review status: criteria provided, single submitter. Criteria: CeGaT Center For Human Genetics Tuebingen Variant Classification Criteria Version 2. Collection method: clinical testing. Allele origin: germline. Affected: yes. Observed: 1 variant allele.
Comment: EPB42: PM2, PM3, PM1:Supporting

Revvity Omics, Revvity
Classification: Uncertain significance for Hereditary spherocytosis type 5. Last evaluated: 2022-07-11. Review status: criteria provided, single submitter. Criteria: ACMG Guidelines, 2015. Collection method: clinical testing. Allele origin: germline.

GeneReviews
No classification provided. Condition: Hereditary spherocytosis type 5. Review status: no classification provided. Collection method: literature only. Allele origin: germline. Affected: yes. Not counted in ClinVar's aggregate classification.

Literature cited by the submitters: NCBI Bookshelf NBK190102 (cited by GeneReviews).

NM_001114134.2(EPB42):c.830C>T (p.Thr277Ile)

Gene: EPB42 (erythrocyte membrane protein band 4.2; minus strand). Cytogenetic location: 15q15.2.
Variant type: single nucleotide variant.
Coding change: c.830C>T on transcript NM_001114134.2 (MANE Select); coding-DNA position 830, C replaced by T.
Protein change: p.Thr277Ile; replaces threonine 277 with isoleucine.
Molecular consequence: missense variant.
Genome position (GRCh38, 1-based): chr15:43,209,276, G>A on the plus strand (C>T on the coding strand, the complement: EPB42 is on the minus strand). VCF-style: chr15-43209276-G-A. GRCh37 (hg19) VCF-style: chr15-43501474-G-A.
Other names: 4.2 Cincinnati; c.920C>T, p.Thr307Ile (NM_000119.3); short protein forms T307I, T277I.
Identifiers: ClinVar variation 132634 (VCV000132634.13), dbSNP rs515726211, ClinGen allele CA345653.